The following is an entry in ClinVar:

ClinVar aggregate classification (germline): Uncertain significance (1 of 4 stars; one submission).

Conditions:
Leigh syndrome (NULS). Also called: Leigh's necrotizing encephalopathy; Leigh's disease; Leigh Syndrome (mtDNA deletion); Leigh Disease; Subacute necrotizing encephalopathy; Necrotizing encephalopathy infantile subacute of Leigh. Identifiers: Orphanet 506, MedGen C2931891, MONDO:0009723, OMIM 256000.

Submission:

Wong Mito Lab, Molecular and Human Genetics, Baylor College of Medicine
Classification: Uncertain significance for Leigh syndrome. Last evaluated: 2019-10-17. Review status: criteria provided, single submitter. Criteria: Modified ACMG Guidelines (Unpublished). Collection method: clinical testing. Allele origin: germline.
Comment: The NC_012920.1:m.4482G>A (YP_003024027.1:p.Ala5Thr) variant in MTND2 gene is interpretated to be a Uncertain Significance variant based on the modified ACMG guidelines (unpublished). This variant meets the following evidence codes: PP6, PP7

NC_012920.1(MT-ND2):m.4482G>A

Gene: MT-ND2 (mitochondrially encoded NADH dehydrogenase 2; plus strand).
Variant type: single nucleotide variant.
Genome position: chrM-4482-G-A.
Identifiers: ClinVar variation 692446 (VCV000692446.1), dbSNP rs1603219472, ClinGen allele CA414774565.